The following is an entry in ClinVar:

NM_001365536.1(SCN9A):c.4206+77A>C

Genes: SCN1A-AS1 (SCN1A and SCN9A antisense RNA 1; plus strand), SCN9A (sodium voltage-gated channel alpha subunit 9; minus strand). Cytogenetic location: 2q24.3.
Variant type: single nucleotide variant.
Coding change: c.4206+77A>C on transcript NM_001365536.1 (MANE Select); 77 bases into the intron after coding-DNA position 4206, A replaced by C.
Molecular consequence: intron variant.
Genome position (GRCh38, 1-based): chr2:166,228,614, T>G on the plus strand (A>C on the coding strand, the complement: SCN9A is on the minus strand). VCF-style: chr2-166228614-T-G. GRCh37 (hg19) VCF-style: chr2-167085124-T-G.
Other names: c.4173+77A>C (NM_002977.4).
Identifiers: ClinVar variation 3255267 (VCV003255267.2), dbSNP rs10199799.

ClinVar aggregate classification (germline): Benign (1 of 4 stars; one submission).

Allele frequency attached by ClinVar (database versions not stated): gnomAD exomes 0.87708; gnomAD 0.88205; TOPMed 0.88631; 1000 Genomes Project 30x 0.88788; 1000 Genomes Project 0.89058.
gnomAD v4.1: 1,109,132 of 1,263,432 alleles (88%); highest among the groups gnomAD compares: East Asian, 95%; 487,154 homozygotes.

Submission:

Unidad de Genómica Garrahan, Hospital de Pediatría Garrahan
Classification: Benign. Last evaluated: 2024-07-15. Review status: criteria provided, single submitter. Criteria: ACMG Guidelines, 2015. Collection method: clinical testing. Allele origin: germline. Affected: no. Observed: 51 variant alleles.
Comment: This variant is classified as Benign based on local population frequency. This variant was detected in 55% of patients studied in a panel designed for Epileptic and Developmental Encephalopathy and Progressive Myoclonus Epilepsy. Number of patients: 51. Only high quality variants are reported.